The following is an entry in ClinVar:

ClinVar aggregate classification (germline): Likely benign. Review status: criteria provided, multiple submitters, no conflicts (2 of 4 stars). 2 submissions from 2 submitters: Likely benign (2). Last evaluated 2023-03-01.

Conditions:
Hyperammonemia, type III (NAGSD). Also called: Hyperammonemia due to N-acetylglutamate synthase deficiency. Identifiers: Orphanet 927, MedGen C0268543, MONDO:0009377, OMIM 237310.

Allele frequency attached by ClinVar (database versions not stated): gnomAD exomes below 0.00001.
gnomAD v4.1: 4 of 1,535,422 alleles (0.00026%); highest among the groups gnomAD compares: Non-Finnish European, 0.00018%; no homozygotes.

Submissions (2):

CeGaT Center for Human Genetics Tuebingen
Classification: Likely benign. Last evaluated: 2023-03-01. Review status: criteria provided, single submitter. Criteria: CeGaT Center For Human Genetics Tuebingen Variant Classification Criteria Version 2. Collection method: clinical testing. Allele origin: germline. Affected: yes. Observed: 1 variant allele.
Comment: NAGS: PM2:Supporting, BP4, BP7

Labcorp Genetics (formerly Invitae), Labcorp
Classification: Likely benign for Hyperammonemia, type III. Last evaluated: 2022-04-08. Review status: criteria provided, single submitter. Criteria: Invitae Variant Classification Sherloc (09022015). Collection method: clinical testing. Allele origin: germline.

NM_153006.3(NAGS):c.15G>A (p.Leu5=)

Gene: NAGS (N-acetylglutamate synthase; plus strand). Cytogenetic location: 17q21.31.
Variant type: single nucleotide variant.
Coding change: c.15G>A on transcript NM_153006.3 (MANE Select); coding-DNA position 15, G replaced by A.
Protein change: p.Leu5=; no amino-acid change (leucine 5 retained).
Molecular consequence: synonymous variant.
Genome position (GRCh38, 1-based): chr17:44,004,678, G>A. VCF-style: chr17-44004678-G-A. GRCh37 (hg19) VCF-style: chr17-42082046-G-A.
Identifiers: ClinVar variation 1672495 (VCV001672495.36), dbSNP rs2143978145, ClinGen allele CA500254137.